The following is an entry in ClinVar:

NM_001127208.3(TET2):c.3516_3520dup (p.Ala1174fs)

Genes: TET2 (tet methylcytosine dioxygenase 2; plus strand), TET2-AS1 (TET2 antisense RNA 1; minus strand). Cytogenetic location: 4q24.
Variant type: Duplication.
Coding change: c.3516_3520dup on transcript NM_001127208.3 (MANE Select); coding-DNA positions 3516 to 3520, 5 bases duplicated (TAAAG; older notation c.3516_3520dupTAAAG).
Protein change: p.Ala1174fs; shifts the reading frame from alanine 1174.
Molecular consequence: frameshift variant.
Genome position (GRCh38, 1-based): chr4:105,242,849-105,242,853, TAAAG duplicated; duplicating any 5 consecutive bases within chr4:105,242,848-105,242,853 gives the same sequence; the c. name uses the placement nearest the transcript's 3' end. VCF-style (leftmost placement, unchanged base first): chr4-105242847-G-GGTAAA. GRCh37 (hg19) VCF-style: chr4-106164004-G-GGTAAA.
Other names: short protein forms A1174fs.
Identifiers: ClinVar variation 2706139 (VCV002706139.3), dbSNP rs2476533266, ClinGen allele CA2697546842.

ClinVar aggregate classification (germline): Pathogenic (1 of 4 stars; one submission).

Submission:

Labcorp Genetics (formerly Invitae), Labcorp
Classification: Pathogenic. Last evaluated: 2023-12-28. Review status: criteria provided, single submitter. Criteria: Invitae Variant Classification Sherloc (09022015). Collection method: clinical testing. Allele origin: germline.
Comment: This sequence change creates a premature translational stop signal (p.Ala1174Valfs*54) in the TET2 gene. It is expected to result in an absent or disrupted protein product. Loss-of-function variants in TET2 are known to be pathogenic (PMID: 36066697). This variant is not present in population databases (gnomAD no frequency). This variant has not been reported in the literature in individuals affected with TET2-related conditions. For these reasons, this variant has been classified as Pathogenic.

Literature cited by the submitters: PubMed 36066697.